The following is an entry in ClinVar:

ClinVar aggregate classification (germline): Likely benign. Review status: criteria provided, multiple submitters, no conflicts (2 of 4 stars). 3 submissions from 3 submitters: Likely benign (3). Last evaluated 2024-11-18.

Conditions:
Tatton-Brown-Rahman overgrowth syndrome. Also called: Tatton-Brown-Rahman syndrome; Tall stature-intellectual disability-facial dysmorphism syndrome. Identifiers: Orphanet 404443, MedGen C4014545, MONDO:0014382, OMIM 615879.
Inborn genetic diseases. Identifiers: MedGen C0950123, MeSH D030342.

Allele frequency attached by ClinVar (database versions not stated): gnomAD exomes 0.00002 and 0.00003; TOPMed 0.00002; gnomAD 0.00003 and 0.00004; ExAC 0.00004; ESP Exome Variant Server 0.00008.
gnomAD v4.1: 26 of 1,612,226 alleles (0.0016%); highest among the groups gnomAD compares: Non-Finnish European, 0.0021%; no homozygotes.

Submissions (3):

Ambry Genetics
Classification: Likely benign for Inborn genetic diseases. Last evaluated: 2024-11-18. Review status: criteria provided, single submitter. Criteria: Ambry Variant Classification Scheme 2023. Collection method: clinical testing. Allele origin: germline.

Labcorp Genetics (formerly Invitae), Labcorp
Classification: Likely benign for Tatton-Brown-Rahman overgrowth syndrome. Last evaluated: 2024-01-22. Review status: criteria provided, single submitter. Criteria: Invitae Variant Classification Sherloc (09022015). Collection method: clinical testing. Allele origin: germline.

GeneDx
Classification: Likely benign. Last evaluated: 2021-04-23. Review status: criteria provided, single submitter. Criteria: GeneDx Variant Classification Process June 2021. Collection method: clinical testing. Allele origin: germline. Affected: yes.
Comment: This variant is associated with the following publications: (PMID: 22744846)

NM_022552.5(DNMT3A):c.2601A>C (p.Val867=)

Gene: DNMT3A (DNA methyltransferase 3 alpha; minus strand). Cytogenetic location: 2p23.3.
Variant type: single nucleotide variant.
Coding change: c.2601A>C on transcript NM_022552.5 (MANE Select); coding-DNA position 2601, A replaced by C.
Protein change: p.Val867=; no amino-acid change (valine 867 retained).
Molecular consequence: synonymous variant. On other transcripts: non-coding transcript variant (1).
Genome position (GRCh38, 1-based): chr2:25,234,417, T>G on the plus strand (A>C on the coding strand, the complement: DNMT3A is on the minus strand). VCF-style: chr2-25234417-T-G. GRCh37 (hg19) VCF-style: chr2-25457286-T-G.
Other names: c.2601A>C (NM_022552.3); c.2145A>C, p.Val715= (NM_001320893.1); c.1932A>C, p.Val644= (NM_001375819.1); c.2034A>C, p.Val678= (NM_153759.3); c.2601A>C, p.Val867= (NM_175629.2).
Identifiers: ClinVar variation 1315733 (VCV001315733.6), dbSNP rs141606269, ClinGen allele CA1555500.